The following is an entry in ClinVar:

ClinVar aggregate classification (germline): Pathogenic/Likely pathogenic. Review status: criteria provided, multiple submitters, no conflicts (2 of 4 stars). 3 submissions from 3 submitters: Pathogenic (1); Likely pathogenic (1). 1 of the submissions does not count toward it. Last evaluated 2024-10-07.

Conditions:
Marfan syndrome (MFS). Also called: Marfan syndrome type 1; Marfan syndrome, classic; Marfan's syndrome; FBN1-Related Marfan Syndrome; MARFAN SYNDROME, TYPE I. Identifiers: Orphanet 284963, Orphanet 558, MedGen C0024796, MONDO:0007947, OMIM 154700.
Familial thoracic aortic aneurysm and aortic dissection (TAAD). Also called: Thoracic aortic aneurysms and dissections. Identifiers: Orphanet 91387, MedGen C4707243, MONDO:0019625.
FBN1-related disorder. Also called: FBN1-related disorders.

Submissions (3):

Labcorp Genetics (formerly Invitae), Labcorp
Classification: Pathogenic for Marfan syndrome; Familial thoracic aortic aneurysm and aortic dissection. Last evaluated: 2024-10-07. Review status: criteria provided, single submitter. Criteria: Invitae Variant Classification Sherloc (09022015). Collection method: clinical testing. Allele origin: germline.
Comment: This sequence change replaces cysteine, which is neutral and slightly polar, with tyrosine, which is neutral and polar, at codon 1068 of the FBN1 protein (p.Cys1068Tyr). This variant is not present in population databases (gnomAD no frequency). This variant has not been reported in the literature in individuals affected with FBN1-related conditions. ClinVar contains an entry for this variant (Variation ID: 549138). Invitae Evidence Modeling of protein sequence and biophysical properties (such as structural, functional, and spatial information, amino acid conservation, physicochemical variation, residue mobility, and thermodynamic stability) indicates that this missense variant is expected to disrupt FBN1 protein function with a positive predictive value of 95%. This variant affects a cysteine residue in the EGF-like, TGFBP or hybrid motif domains of FBN1. Cysteine residues are believed to be involved in intramolecular disulfide bridges and have been shown to be important for FBN1 protein structure (PMID: 16905551, 19349279). In addition, missense substitutions affecting cysteine residues within these domains are significantly overrepresented among patients with Marfan syndrome (PMID: 16571647, 17701892). This variant disrupts the p.Cys1068 amino acid residue in FBN1. Other variant(s) that disrupt this residue have been observed in individuals with FBN1-related conditions (PMID: 15264290, 19293843, 20803651, 33910934), which suggests that this may be a clinically significant amino acid residue. For these reasons, this variant has been classified as Pathogenic.

Blueprint Genetics
Classification: Likely pathogenic for FBN1-related disorders. Last evaluated: 2019-06-22. Review status: criteria provided, single submitter. Criteria: ACMG Guidelines, 2015. Collection method: clinical testing. Allele origin: germline. Affected: yes. Observed: 1 variant allele.

Center for Medical Genetics Ghent, University of Ghent
Classification: Likely pathogenic for Marfan syndrome. Last evaluated: 2017-11-07. Review status: no assertion criteria provided. Collection method: clinical testing. Allele origin: germline. Affected: yes. Not counted in ClinVar's aggregate classification.

Literature cited by the submitters: PubMed 16905551 (cited by Labcorp Genetics (formerly Invitae), Labcorp); PubMed 19349279 (cited by Labcorp Genetics (formerly Invitae), Labcorp); PubMed 16571647 (cited by Labcorp Genetics (formerly Invitae), Labcorp); PubMed 17701892 (cited by Labcorp Genetics (formerly Invitae), Labcorp); PubMed 15264290 (cited by Labcorp Genetics (formerly Invitae), Labcorp); PubMed 19293843 (cited by Labcorp Genetics (formerly Invitae), Labcorp); PubMed 20803651 (cited by Labcorp Genetics (formerly Invitae), Labcorp); PubMed 33910934 (cited by Labcorp Genetics (formerly Invitae), Labcorp).

NM_000138.5(FBN1):c.3203G>A (p.Cys1068Tyr)

Gene: FBN1 (fibrillin 1; minus strand). Cytogenetic location: 15q21.1.
Variant type: single nucleotide variant.
Coding change: c.3203G>A on transcript NM_000138.5 (MANE Select); coding-DNA position 3203, G replaced by A.
Protein change: p.Cys1068Tyr; replaces cysteine 1068 with tyrosine.
Molecular consequence: missense variant.
Genome position (GRCh38, 1-based): chr15:48,488,373, C>T on the plus strand (G>A on the coding strand, the complement: FBN1 is on the minus strand). VCF-style: chr15-48488373-C-T. GRCh37 (hg19) VCF-style: chr15-48780570-C-T.
Other names: short protein forms C1068Y.
Identifiers: ClinVar variation 549138 (VCV000549138.11), dbSNP rs1555398659, ClinGen allele CA392327835.
Genomic context (GRCh38, chr15:48,488,373, plus strand): 5'-ATAAAGAGTTTTAAAGGACGTCCCCTCTCCTGGCCCTTAAGGCTCATTAACTGACCTGTG[C>T]AGTTCCTTTCTTCAGAATCAAGAGCAAAGCCGCTGTCACACCTGCACTTAAAGCTGCCAA-3'
Protein context (NP_000129.3, residues 1058-1078): GFALDSEERN[Cys1068Tyr]TDIDECRISP